The following is an entry in ClinVar:

NM_020247.5(COQ8A):c.1199G>A (p.Arg400Gln)

Gene: COQ8A (coenzyme Q8A; plus strand). Cytogenetic location: 1q42.13.
Variant type: single nucleotide variant.
Coding change: c.1199G>A on transcript NM_020247.5 (MANE Select); coding-DNA position 1199, G replaced by A.
Protein change: p.Arg400Gln; replaces arginine 400 with glutamine.
Molecular consequence: missense variant.
Genome position (GRCh38, 1-based): chr1:226,983,797, G>A. VCF-style: chr1-226983797-G-A. GRCh37 (hg19) VCF-style: chr1-227171498-G-A.
Other names: short protein forms R400Q.
Identifiers: ClinVar variation 1944486 (VCV001944486.5), dbSNP rs745983452, ClinGen allele CA1425360.

ClinVar aggregate classification (germline): Uncertain significance. Review status: criteria provided, multiple submitters, no conflicts (2 of 4 stars). 2 submissions from 2 submitters: Uncertain significance (2). Last evaluated 2022-04-26.

Allele frequency attached by ClinVar (database versions not stated): gnomAD 0.00001; TOPMed 0.00002.
gnomAD v4.1: 54 of 1,612,626 alleles (0.0033%); highest among the groups gnomAD compares: East Asian, 0.02%; no homozygotes.

Submissions (2):

Labcorp Genetics (formerly Invitae), Labcorp
Classification: Uncertain significance. Last evaluated: 2022-04-26. Review status: criteria provided, single submitter. Criteria: Invitae Variant Classification Sherloc (09022015). Collection method: clinical testing. Allele origin: germline.
Comment: This variant has not been reported in the literature in individuals affected with COQ8A-related conditions. This variant is present in population databases (rs745983452, gnomAD 0.01%). This sequence change replaces arginine, which is basic and polar, with glutamine, which is neutral and polar, at codon 400 of the COQ8A protein (p.Arg400Gln). Advanced modeling of protein sequence and biophysical properties (such as structural, functional, and spatial information, amino acid conservation, physicochemical variation, residue mobility, and thermodynamic stability) performed at Invitae indicates that this missense variant is not expected to disrupt COQ8A protein function. In summary, the available evidence is currently insufficient to determine the role of this variant in disease. Therefore, it has been classified as a Variant of Uncertain Significance.

Blueprint Genetics
Classification: Uncertain significance. Last evaluated: 2019-03-12. Review status: criteria provided, single submitter. Criteria: ACMG Guidelines, 2015. Collection method: clinical testing. Allele origin: germline.